The following is an entry in ClinVar:

NM_001267550.2(TTN):c.80717G>A (p.Arg26906Gln)

Genes: TTN (titin; minus strand), TTN-AS1 (TTN antisense RNA 1; plus strand). Cytogenetic location: 2q31.2.
Variant type: single nucleotide variant.
Coding change: c.80717G>A on transcript NM_001267550.2 (MANE Select); coding-DNA position 80717, G replaced by A.
Protein change: p.Arg26906Gln; replaces arginine 26906 with glutamine.
Molecular consequence: missense variant.
Genome position (GRCh38, 1-based): chr2:178,565,415, C>T on the plus strand (G>A on the coding strand, the complement: TTN is on the minus strand). VCF-style: chr2-178565415-C-T. GRCh37 (hg19) VCF-style: chr2-179430142-C-T.
Other names: c.75794G>A, p.Arg25265Gln (NM_001256850.1); c.53522G>A, p.Arg17841Gln (NM_003319.4); c.53897G>A, p.Arg17966Gln (NM_133432.3); c.54098G>A, p.Arg18033Gln (NM_133437.4); c.73013G>A, p.Arg24338Gln (NM_133378.4); short protein forms R24338Q, R26906Q, R17966Q, R17841Q, R18033Q, R25265Q.
Identifiers: ClinVar variation 229523 (VCV000229523.21), dbSNP rs536183519, ClinGen allele CA1989312.

ClinVar aggregate classification (germline): Conflicting classifications of pathogenicity. Review status: criteria provided, conflicting classifications (1 of 4 stars). 12 submissions from 12 submitters: Uncertain significance (6); Likely benign (2). 4 of the submissions do not count toward it. Last evaluated 2026-09-21.

Conditions:
TTN-related disorder. Also called: TTN-related disorders; TTN-related condition; TTN-related disease.
Autosomal recessive limb-girdle muscular dystrophy type 2J (LGMDR10). Also called: Limb-girdle muscular dystrophy, type 2J; MUSCULAR DYSTROPHY, LIMB-GIRDLE, AUTOSOMAL RECESSIVE 10. Identifiers: Orphanet 140922, MedGen C1837342, MONDO:0012127, OMIM 608807.
Dilated cardiomyopathy 1G (CMD1G). Identifiers: Orphanet 154, MedGen C1858763, MONDO:0011400, OMIM 604145.
Hypertrophic cardiomyopathy 9. Also called: Familial hypertrophic cardiomyopathy 9. Identifiers: MedGen C1861065, MONDO:0013412, OMIM 613765.
Myopathy, myofibrillar, 9, with early respiratory failure (MFM9). Also called: Hereditary myopathy with early respiratory failure; MYOPATHY, PROXIMAL, WITH EARLY RESPIRATORY MUSCLE INVOLVEMENT; EDSTROM MYOPATHY; Myopathy, distal, with early respiratory failure, autosomal dominant. Identifiers: Orphanet 178464, Orphanet 34521, MedGen C1863599, MONDO:0011362, OMIM 603689.
Tibial muscular dystrophy (TMD). Also called: UDD MYOPATHY; Udd Distal Myopathy – Tibial Muscular Dystrophy; Tibial muscular dystrophy, tardive. Identifiers: Orphanet 609, MedGen C1838244, MONDO:0010870, OMIM 600334.
Early-onset myopathy with fatal cardiomyopathy (CMYO5). Also called: Salih Myopathy; CONGENITAL MYOPATHY 5 WITH CARDIOMYOPATHY. Identifiers: Orphanet 289377, MedGen C2673677, MONDO:0012714, OMIM 611705. Disease mechanism: loss of function.

Allele frequency attached by ClinVar (database versions not stated): ExAC 0.00001; TOPMed 0.00002; gnomAD 0.00003 and 0.00002; gnomAD exomes 0.00003 and 0.00002; 1000 Genomes Project 30x 0.00016; 1000 Genomes Project 0.00020.
gnomAD v4.1: 30 of 1,613,310 alleles (0.0019%); highest among the groups gnomAD compares: Middle Eastern, 0.083%; no homozygotes.

Submissions (12):

Molecular Diagnostic Laboratory for Inherited Cardiovascular Disease, Montreal Heart Institute
Classification: Likely benign. Last evaluated: 2026-09-21. Review status: criteria provided, single submitter. Criteria: ACMG Guidelines, 2015. Collection method: clinical testing. Allele origin: germline. Affected: no.
Comment: BP1

PreventionGenetics, part of Exact Sciences
Classification: Uncertain significance for TTN-related condition. Last evaluated: 2025-05-25. Review status: criteria provided, single submitter. Criteria: ACMG Guidelines, 2015. Collection method: clinical testing. Allele origin: germline.
Comment: The TTN c.80717G>A variant is predicted to result in the amino acid substitution p.Arg26906Gln. To our knowledge, this variant has not been reported in the literature. This variant is reported in 0.012% of alleles in individuals of African descent in gnomAD. At this time, the clinical significance of this variant is uncertain due to the absence of conclusive functional and genetic evidence.

Women's Health and Genetics/Laboratory Corporation of America, LabCorp
Classification: Uncertain significance. Last evaluated: 2025-02-10. Review status: criteria provided, single submitter. Criteria: LabCorp Variant Classification Summary - May 2015. Collection method: clinical testing. Allele origin: germline.
Comment: Variant summary: TTN c.73013G>A (p.Arg24338Gln) results in a conservative amino acid change in the encoded protein sequence. Two of four in-silico tools predict a benign effect of the variant on protein function. The variant allele was found at a frequency of 2.8e-05 in 248516 control chromosomes. The available data on variant occurrences in the general population are insufficient to allow any conclusion about variant significance. To our knowledge, no occurrence of c.73013G>A in individuals affected with Dilated Cardiomyopathy and no experimental evidence demonstrating its impact on protein function have been reported. ClinVar contains an entry for this variant (Variation ID: 229523). Based on the evidence outlined above, the variant was classified as uncertain significance.

Blueprint Genetics
Classification: Likely benign. Last evaluated: 2024-03-22. Review status: criteria provided, single submitter. Criteria: ACMG Guidelines, 2015. Collection method: clinical testing. Allele origin: germline.

Revvity Omics, Revvity
Classification: Uncertain significance. Last evaluated: 2021-10-13. Review status: criteria provided, single submitter. Criteria: ACMG Guidelines, 2015. Collection method: clinical testing. Allele origin: germline.

Fulgent Genetics
Classification: Uncertain significance for Tibial muscular dystrophy; Myopathy, myofibrillar, 9, with early respiratory failure; Dilated cardiomyopathy 1G; Autosomal recessive limb-girdle muscular dystrophy type 2J; Early-onset myopathy with fatal cardiomyopathy; Hypertrophic cardiomyopathy 9. Last evaluated: 2018-10-31. Review status: criteria provided, single submitter. Criteria: ACMG Guidelines, 2015. Collection method: clinical testing. Allele origin: unknown.

Labcorp Genetics (formerly Invitae), Labcorp
Classification: Uncertain significance for Dilated cardiomyopathy 1G; Autosomal recessive limb-girdle muscular dystrophy type 2J. Last evaluated: 2017-05-16. Review status: criteria provided, single submitter. Criteria: Invitae Variant Classification Sherloc (09022015). Collection method: clinical testing. Allele origin: germline.

Laboratory for Molecular Medicine, Mass General Brigham Personalized Medicine
Classification: Uncertain significance. Last evaluated: 2015-07-22. Review status: criteria provided, single submitter. Criteria: LMM Criteria. Collection method: clinical testing. Allele origin: germline. Observed: 1 variant allele.
Comment: The p.Arg24338Gln variant in TTN has not been previously reported in individuals with cardiomyopathy, but has been identified in 1/16496 South Asian chromosomes by the Exome Aggregation Consortium (ExAC; dbSN P rs536183519). Computational prediction tools and conservation analysis suggest that the variant may impact the protein, though this information is not predict ive enough to determine pathogenicity. In summary, the clinical significance of the p.Arg24338Gln variant is uncertain.

Clinical Genetics DNA and cytogenetics Diagnostics Lab, Erasmus MC, Erasmus Medical Center
Classification: Uncertain significance. Review status: no assertion criteria provided. Collection method: clinical testing. Allele origin: germline. Affected: yes. Study: VKGL Data-share Consensus. Not counted in ClinVar's aggregate classification.

Diagnostic Laboratory, Department of Genetics, University Medical Center Groningen
Classification: Uncertain significance. Review status: no assertion criteria provided. Collection method: clinical testing. Allele origin: germline. Affected: yes. Study: VKGL Data-share Consensus. Not counted in ClinVar's aggregate classification.

Genome Diagnostics Laboratory, University Medical Center Utrecht
Classification: Uncertain significance. Review status: no assertion criteria provided. Collection method: clinical testing. Allele origin: germline. Affected: yes. Study: VKGL Data-share Consensus. Not counted in ClinVar's aggregate classification.

Laboratory of Diagnostic Genome Analysis, Leiden University Medical Center (LUMC)
Classification: Uncertain significance. Review status: no assertion criteria provided. Collection method: clinical testing. Allele origin: germline. Affected: yes. Study: VKGL Data-share Consensus. Not counted in ClinVar's aggregate classification.